The following is an entry in ClinVar:

NM_002528.7(NTHL1):c.622G>A (p.Gly208Ser)

Gene: NTHL1 (nth like DNA glycosylase 1; minus strand). Cytogenetic location: 16p13.3.
Variant type: single nucleotide variant.
Coding change: c.622G>A on transcript NM_002528.7 (MANE Select); coding-DNA position 622, G replaced by A.
Protein change: p.Gly208Ser; replaces glycine 208 with serine.
Molecular consequence: missense variant.
Genome position (GRCh38, 1-based): chr16:2,043,630, C>T on the plus strand (G>A on the coding strand, the complement: NTHL1 is on the minus strand). VCF-style: chr16-2043630-C-T. GRCh37 (hg19) VCF-style: chr16-2093631-C-T.
Other names: c.451G>A, p.Gly151Ser (NM_001318193.2); c.292G>A, p.Gly98Ser (NM_001318194.2); short protein forms G98S, G208S, G151S.
Identifiers: ClinVar variation 949683 (VCV000949683.8), dbSNP rs2084298730, ClinGen allele CA394291382.
Genomic context (GRCh38, chr16:2,043,630, plus strand): 5'-TGCCTGACACAGTGCCCCAGGCCACAGCCATAGCCAGGTGTGCCATCTTGGGCCCAACAC[C>T]CGGCAGCGCCACCAGCTCGGCCACAGAGGCTGGGATGTCCCCACCGTAGTGCTGCTGCAG-3'
Protein context (NP_002519.2, residues 198-218): ASVAELVALP[Gly208Ser]VGPKMAHLAM

ClinVar aggregate classification (germline): Uncertain significance (1 of 4 stars; one submission).

Submission:

Labcorp Genetics (formerly Invitae), Labcorp
Classification: Uncertain significance. Last evaluated: 2019-08-21. Review status: criteria provided, single submitter. Criteria: Invitae Variant Classification Sherloc (09022015). Collection method: clinical testing. Allele origin: germline.
Comment: This variant is not present in population databases (ExAC no frequency). This sequence change replaces glycine with serine at codon 216 of the NTHL1 protein (p.Gly216Ser). The glycine residue is highly conserved and there is a small physicochemical difference between glycine and serine. This variant has not been reported in the literature in individuals with NTHL1-related conditions. In summary, the available evidence is currently insufficient to determine the role of this variant in disease. Therefore, it has been classified as a Variant of Uncertain Significance. Algorithms developed to predict the effect of missense changes on protein structure and function (SIFT, PolyPhen-2, Align-GVGD) all suggest that this variant is likely to be disruptive, but these predictions have not been confirmed by published functional studies and their clinical significance is uncertain.